The following is an entry in ClinVar:

ClinVar aggregate classification (germline): Likely benign (0 of 4 stars; one submission).

Conditions:
TOP1-related disorder. Also called: TOP1-related condition.

Allele frequency attached by ClinVar (database versions not stated): gnomAD exomes 0.00002; ExAC 0.00011; 1000 Genomes Project 0.00020; gnomAD 0.00028; 1000 Genomes Project 30x 0.00031; ESP Exome Variant Server 0.00031; TOPMed 0.00036.
gnomAD v4.1: 83 of 1,613,888 alleles (0.0051%); highest among the groups gnomAD compares: African/African-American, 0.088%; no homozygotes.

Submission:

PreventionGenetics, part of Exact Sciences
Classification: Likely benign for TOP1-related condition. Last evaluated: 2019-04-09. Review status: no assertion criteria provided. Collection method: clinical testing. Allele origin: germline.
Comment: This variant is classified as likely benign based on ACMG/AMP sequence variant interpretation guidelines (Richards et al. 2015 PMID: 25741868, with internal and published modifications).

NM_003286.4(TOP1):c.1446C>T (p.Ile482=)

Genes: PLCG1-AS1 (PLCG1 antisense RNA 1; minus strand), TOP1 (DNA topoisomerase I; plus strand). Cytogenetic location: 20q12.
Variant type: single nucleotide variant.
Coding change: c.1446C>T on transcript NM_003286.4 (MANE Select); coding-DNA position 1446, C replaced by T.
Protein change: p.Ile482=; no amino-acid change (isoleucine 482 retained).
Molecular consequence: synonymous variant.
Genome position (GRCh38, 1-based): chr20:41,112,919, C>T. VCF-style: chr20-41112919-C-T. GRCh37 (hg19) VCF-style: chr20-39741559-C-T.
Identifiers: ClinVar variation 3046725 (VCV003046725.2), dbSNP rs147984700, ClinGen allele CA9858244.